The following is an entry in ClinVar:

ClinVar aggregate classification (germline): Likely benign. Review status: criteria provided, multiple submitters, no conflicts (2 of 4 stars). 7 submissions from 7 submitters: Likely benign (7). Last evaluated 2026-09-08.

Conditions:
Familial thoracic aortic aneurysm and aortic dissection (TAAD). Also called: Thoracic aortic aneurysms and dissections. Identifiers: Orphanet 91387, MedGen C4707243, MONDO:0019625.
Aortic aneurysm, familial thoracic 4 (AAT4). Also called: AORTIC ANEURYSM/AORTIC DISSECTION AND PATENT DUCTUS ARTERIOSUS. Identifiers: MedGen C1851504, MONDO:0007568, OMIM 132900.

Allele frequency attached by ClinVar (database versions not stated): gnomAD 0.00001; gnomAD exomes 0.00001 and 0.00002; TOPMed 0.00002.
gnomAD v4.1: 36 of 1,613,074 alleles (0.0022%); highest among the groups gnomAD compares: Non-Finnish European, 0.0029%; no homozygotes.

Submissions (7):

Ambry Genetics
Classification: Likely benign for Familial thoracic aortic aneurysm and aortic dissection. Last evaluated: 2026-09-08. Review status: criteria provided, single submitter. Criteria: Ambry Variant Classification Scheme 2023. Collection method: clinical testing. Allele origin: germline.

CeGaT Center for Human Genetics Tuebingen
Classification: Likely benign. Last evaluated: 2026-02-01. Review status: criteria provided, single submitter. Criteria: CeGaT Center For Human Genetics Tuebingen Variant Classification Criteria Version 2. Collection method: clinical testing. Allele origin: germline. Affected: yes. Observed: 1 variant allele.
Comment: MYH11: BP4, BP7

Labcorp Genetics (formerly Invitae), Labcorp
Classification: Likely benign for Aortic aneurysm, familial thoracic 4. Last evaluated: 2026-01-07. Review status: criteria provided, single submitter. Criteria: Invitae Variant Classification Sherloc (09022015). Collection method: clinical testing. Allele origin: germline.

Blueprint Genetics
Classification: Likely benign. Last evaluated: 2024-03-11. Review status: criteria provided, single submitter. Criteria: ACMG Guidelines, 2015. Collection method: clinical testing. Allele origin: germline.

All of Us Research Program, National Institutes of Health
Classification: Likely benign for Familial thoracic aortic aneurysm and aortic dissection. Last evaluated: 2023-11-30. Review status: criteria provided, single submitter. Criteria: ACMG Guidelines, 2015. Collection method: clinical testing. Allele origin: germline. Inheritance: Autosomal dominant inheritance. Observed: 6 variant alleles, 6 heterozygotes.
Comment: This study involves interpretation of variants in research participants for the purpose of population health screening. Participant phenotype was not available at the time of variant classification. Additional details can be found in publication PMID: 35346344, PMCID: PMC8962531

Color Diagnostics, LLC DBA Color Health
Classification: Likely benign for Familial thoracic aortic aneurysm and aortic dissection. Last evaluated: 2018-10-21. Review status: criteria provided, single submitter. Criteria: ACMG Guidelines, 2015. Collection method: clinical testing. Allele origin: germline.

GeneDx
Classification: Likely benign. Last evaluated: 2017-03-21. Review status: criteria provided, single submitter. Criteria: GeneDx Variant Classification (06012015). Collection method: clinical testing. Allele origin: germline. Affected: yes.
Comment: This variant is considered likely benign or benign based on one or more of the following criteria: it is a conservative change, it occurs at a poorly conserved position in the protein, it is predicted to be benign by multiple in silico algorithms, and/or has population frequency not consistent with disease.

NM_002474.3(MYH11):c.795G>T (p.Leu265=)

Gene: MYH11 (myosin heavy chain 11; minus strand). Cytogenetic location: 16p13.11.
Variant type: single nucleotide variant.
Coding change: c.795G>T on transcript NM_002474.3 (MANE Select); coding-DNA position 795, G replaced by T.
Protein change: p.Leu265=; no amino-acid change (leucine 265 retained).
Molecular consequence: synonymous variant.
Genome position (GRCh38, 1-based): chr16:15,776,172, C>A on the plus strand (G>T on the coding strand, the complement: MYH11 is on the minus strand). VCF-style: chr16-15776172-C-A. GRCh37 (hg19) VCF-style: chr16-15870029-C-A.
Other names: c.816G>T, p.Leu272= (NM_001040113.2, NM_001040114.2); c.795G>T, p.Leu265= (NM_022844.3).
Identifiers: ClinVar variation 508332 (VCV000508332.17), dbSNP rs922121420, ClinGen allele CA278595445.
Genomic context (GRCh38, chr16:15,776,172, plus strand): 5'-GTAAAAGATGTGGAATGTCCTCTCGTCTCTGGCTTGGCGAATTGCCCGTGATTTTTCTAG[C>A]AGATCTGGTTTGGAGGGAGTTAGGGATTCTGGGGATACTGCGGGTGTTCCTCTGGTCTTC-3'
Protein context (NP_002465.1, residues 255-275): YIVGANIETY[Leu265=]LEKSRAIRQA